The following is an entry in ClinVar:

ClinVar aggregate classification (germline): Pathogenic (1 of 4 stars; one submission).

Conditions:
Familial cancer of breast. Also called: Hereditary breast cancer; BREAST CANCER, FAMILIAL; hereditary breast carcinoma. Identifiers: Orphanet 227535, MedGen C0346153, MONDO:0016419, OMIM 114480. Disease mechanism: loss of function.

Submission:

Myriad Genetics, Inc.
Classification: Pathogenic for Familial cancer of breast. Last evaluated: 2023-08-10. Review status: criteria provided, single submitter. Criteria: Myriad Autosomal Dominant, Autosomal Recessive and X-Linked Classification Criteria (2023). Collection method: clinical testing. Allele origin: unknown.
Comment: This variant is considered pathogenic. This variant creates a termination codon and is predicted to result in premature protein truncation.

NM_000465.4(BARD1):c.437G>A (p.Trp146Ter)

Gene: BARD1 (BRCA1 associated RING domain 1; minus strand). Cytogenetic location: 2q35.
Variant type: single nucleotide variant.
Coding change: c.437G>A on transcript NM_000465.4 (MANE Select); coding-DNA position 437, G replaced by A.
Protein change: p.Trp146Ter; replaces tryptophan 146 with a stop codon.
Molecular consequence: nonsense. On other transcripts: non-coding transcript variant (2), intron variant (3).
Genome position (GRCh38, 1-based): chr2:214,781,437, C>T on the plus strand (G>A on the coding strand, the complement: BARD1 is on the minus strand). VCF-style: chr2-214781437-C-T. GRCh37 (hg19) VCF-style: chr2-215646161-C-T.
Other names: c.380G>A, p.Trp127Ter (NM_001282543.2); c.158+27975G>A (NM_001282548.2); c.215+15624G>A (NM_001282545.2); c.364+10860G>A (NM_001282549.2); short protein forms W127*, W146*.
Identifiers: ClinVar variation 2673820 (VCV002673820.1), dbSNP rs1695029110, ClinGen allele CA350457787.